The following is an entry in ClinVar:

ClinVar aggregate classification (germline): Uncertain significance (1 of 4 stars; one submission).

Allele frequency attached by ClinVar (database versions not stated): gnomAD 0.00001; ExAC 0.00002.
gnomAD v4.1: 8 of 1,611,970 alleles (0.0005%); highest among the groups gnomAD compares: South Asian, 0.0033%; no homozygotes.

Submission:

Labcorp Genetics (formerly Invitae), Labcorp
Classification: Uncertain significance. Last evaluated: 2023-05-11. Review status: criteria provided, single submitter. Criteria: Invitae Variant Classification Sherloc (09022015). Collection method: clinical testing. Allele origin: germline.
Comment: This variant has not been reported in the literature in individuals affected with FAT4-related conditions. This variant is present in population databases (rs760303231, gnomAD 0.003%). This sequence change replaces arginine, which is basic and polar, with glutamine, which is neutral and polar, at codon 1917 of the FAT4 protein (p.Arg1917Gln). Advanced modeling of protein sequence and biophysical properties (such as structural, functional, and spatial information, amino acid conservation, physicochemical variation, residue mobility, and thermodynamic stability) performed at Invitae indicates that this missense variant is not expected to disrupt FAT4 protein function. In summary, the available evidence is currently insufficient to determine the role of this variant in disease. Therefore, it has been classified as a Variant of Uncertain Significance. ClinVar contains an entry for this variant (Variation ID: 1716781).

NM_001291303.3(FAT4):c.5750G>A (p.Arg1917Gln)

Gene: FAT4 (FAT atypical cadherin 4; plus strand). Cytogenetic location: 4q28.1.
Variant type: single nucleotide variant.
Coding change: c.5750G>A on transcript NM_001291303.3 (MANE Select); coding-DNA position 5750, G replaced by A.
Protein change: p.Arg1917Gln; replaces arginine 1917 with glutamine.
Molecular consequence: missense variant.
Genome position (GRCh38, 1-based): chr4:125,408,624, G>A. VCF-style: chr4-125408624-G-A. GRCh37 (hg19) VCF-style: chr4-126329779-G-A.
Other names: c.5750G>A, p.Arg1917Gln (NM_001291285.3, NM_024582.6); short protein forms R1917Q.
Identifiers: ClinVar variation 1716781 (VCV001716781.5), dbSNP rs760303231, ClinGen allele CA3072786.